The following is an entry in ClinVar:

NM_000171.4(GLRA1):c.905T>C (p.Leu302Pro)

Gene: GLRA1 (glycine receptor alpha 1; minus strand). Cytogenetic location: 5q33.1.
Variant type: single nucleotide variant.
Coding change: c.905T>C on transcript NM_000171.4 (MANE Select); coding-DNA position 905, T replaced by C.
Protein change: p.Leu302Pro; replaces leucine 302 with proline.
Molecular consequence: missense variant.
Genome position (GRCh38, 1-based): chr5:151,851,397, A>G on the plus strand (T>C on the coding strand, the complement: GLRA1 is on the minus strand). VCF-style: chr5-151851397-A-G. GRCh37 (hg19) VCF-style: chr5-151230958-A-G.
Other names: c.905T>C, p.Leu302Pro (NM_001146040.2); c.656T>C, p.Leu219Pro (NM_001292000.2); short protein forms L219P, L302P.
Identifiers: ClinVar variation 3364669 (VCV003364669.1).

ClinVar aggregate classification (germline): Uncertain significance (1 of 4 stars; one submission).

Submission:

GeneDx
Classification: Uncertain significance. Last evaluated: 2023-11-25. Review status: criteria provided, single submitter. Criteria: GeneDx Variant Classification Process June 2021. Collection method: clinical testing. Allele origin: germline. Affected: yes.
Comment: Has not been previously published as pathogenic or benign to our knowledge; Not observed at significant frequency in large population cohorts (gnomAD); In silico analysis supports that this missense variant has a deleterious effect on protein structure/function